The following is an entry in ClinVar:

ClinVar aggregate classification (germline): Uncertain significance (1 of 4 stars; one submission).

Submission:

CeGaT Center for Human Genetics Tuebingen
Classification: Uncertain significance. Last evaluated: 2026-03-01. Review status: criteria provided, single submitter. Criteria: CeGaT Center For Human Genetics Tuebingen Variant Classification Criteria Version 2. Collection method: clinical testing. Allele origin: germline. Affected: yes. Observed: 1 variant allele.
Comment: FGF14: PM2, BP4

NM_004115.4(FGF14):c.76G>T (p.Ala26Ser)

Gene: FGF14 (fibroblast growth factor 14; minus strand). Cytogenetic location: 13q33.1.
Variant type: single nucleotide variant.
Coding change: c.76G>T on transcript NM_004115.4 (MANE Select); coding-DNA position 76, G replaced by T.
Protein change: p.Ala26Ser; replaces alanine 26 with serine.
Molecular consequence: missense variant. On other transcripts: intron variant (21).
Genome position (GRCh38, 1-based): chr13:101,916,570, C>A on the plus strand (G>T on the coding strand, the complement: FGF14 is on the minus strand). VCF-style: chr13-101916570-C-A. GRCh37 (hg19) VCF-style: chr13-102568920-C-A.
Other names: c.53-41274G>T (NM_001321947.2); c.92-41274G>T (NM_001379342.1, NM_001321948.2, NM_001321945.2); c.-59-41274G>T (NM_001321946.2, NM_001321949.1, NM_001321943.1 and 4 more transcripts); c.14-41274G>T (NM_001321938.2, NM_001321940.1, NM_001321933.1); c.209-47742G>T (NM_001321939.2); c.209-41274G>T (NM_175929.3, NM_001321937.2); c.8-41274G>T (NM_001321941.2); c.5-41274G>T (NM_001321944.1, NM_001321936.1, NM_001321932.1); short protein forms A26S.
Identifiers: ClinVar variation 4820783 (VCV004820783.4).